The following is an entry in ClinVar:

NM_000821.7(GGCX):c.2078G>A (p.Arg693His)

Gene: GGCX (gamma-glutamyl carboxylase; minus strand). Cytogenetic location: 2p11.2.
Variant type: single nucleotide variant.
Coding change: c.2078G>A on transcript NM_000821.7 (MANE Select); coding-DNA position 2078, G replaced by A.
Protein change: p.Arg693His; replaces arginine 693 with histidine.
Molecular consequence: missense variant.
Genome position (GRCh38, 1-based): chr2:85,550,561, C>T on the plus strand (G>A on the coding strand, the complement: GGCX is on the minus strand). VCF-style: chr2-85550561-C-T. GRCh37 (hg19) VCF-style: chr2-85777684-C-T.
Other names: c.1907G>A, p.Arg636His (NM_001142269.4); short protein forms R636H, R693H.
Identifiers: ClinVar variation 1947102 (VCV001947102.3), dbSNP rs368331465, ClinGen allele CA1741647.

ClinVar aggregate classification (germline): Uncertain significance. Review status: criteria provided, multiple submitters, no conflicts (2 of 4 stars). 2 submissions from 2 submitters: Uncertain significance (2). Last evaluated 2024-08-01.

Allele frequency attached by ClinVar (database versions not stated): ExAC 0.00001; gnomAD 0.00001; gnomAD exomes 0.00002; TOPMed 0.00003; ESP Exome Variant Server 0.00008.
gnomAD v4.1: 36 of 1,612,516 alleles (0.0022%); highest among the groups gnomAD compares: Non-Finnish European, 0.0027%; no homozygotes.

Submissions (2):

Blueprint Genetics
Classification: Uncertain significance. Last evaluated: 2024-08-01. Review status: criteria provided, single submitter. Criteria: ACMG Guidelines, 2015. Collection method: clinical testing. Allele origin: germline.

Labcorp Genetics (formerly Invitae), Labcorp
Classification: Uncertain significance. Last evaluated: 2022-02-22. Review status: criteria provided, single submitter. Criteria: Invitae Variant Classification Sherloc (09022015). Collection method: clinical testing. Allele origin: germline.
Comment: This sequence change replaces arginine, which is basic and polar, with histidine, which is basic and polar, at codon 693 of the GGCX protein (p.Arg693His). This variant is present in population databases (rs368331465, gnomAD 0.002%). This variant has not been reported in the literature in individuals affected with GGCX-related conditions. Algorithms developed to predict the effect of missense changes on protein structure and function are either unavailable or do not agree on the potential impact of this missense change (SIFT: "Deleterious"; PolyPhen-2: "Probably Damaging"; Align-GVGD: "Class C0"). In summary, the available evidence is currently insufficient to determine the role of this variant in disease. Therefore, it has been classified as a Variant of Uncertain Significance.